The following is an entry in ClinVar:

NM_001359.2(DECR1):c.619G>T (p.Val207Leu)

Gene: DECR1 (2,4-dienoyl-CoA reductase 1; plus strand). Cytogenetic location: 8q21.3.
Variant type: single nucleotide variant.
Coding change: c.619G>T on transcript NM_001359.2 (MANE Select); coding-DNA position 619, G replaced by T.
Protein change: p.Val207Leu; replaces valine 207 with leucine.
Molecular consequence: missense variant.
Genome position (GRCh38, 1-based): chr8:90,036,894, G>T. VCF-style: chr8-90036894-G-T. GRCh37 (hg19) VCF-style: chr8-91049122-G-T.
Other names: c.619G>T (NM_001359.1); c.592G>T, p.Val198Leu (NM_001330575.2); short protein forms V198L, V207L.
Identifiers: ClinVar variation 1409057 (VCV001409057.9), dbSNP rs774551643, ClinGen allele CA4803390.

ClinVar aggregate classification (germline): Uncertain significance. Review status: criteria provided, multiple submitters, no conflicts (2 of 4 stars). 2 submissions from 2 submitters: Uncertain significance (2). Last evaluated 2024-03-25.

Conditions:
Progressive encephalopathy with leukodystrophy due to DECR deficiency. Identifiers: Orphanet 431361, MedGen C1857252, MONDO:0014464, OMIM 616034.

Allele frequency attached by ClinVar (database versions not stated): ExAC 0.00002; gnomAD 0.00003 and 0.00004; gnomAD exomes 0.00003; TOPMed 0.00003.
gnomAD v4.1: 172 of 1,613,290 alleles (0.011%); highest among the groups gnomAD compares: Non-Finnish European, 0.014%; no homozygotes.

Submissions (2):

Ambry Genetics
Classification: Uncertain significance. Last evaluated: 2024-03-25. Review status: criteria provided, single submitter. Criteria: Ambry Variant Classification Scheme 2023. Collection method: clinical testing. Allele origin: germline.

Labcorp Genetics (formerly Invitae), Labcorp
Classification: Uncertain significance for Progressive encephalopathy with leukodystrophy due to DECR deficiency. Last evaluated: 2021-05-12. Review status: criteria provided, single submitter. Criteria: Invitae Variant Classification Sherloc (09022015). Collection method: clinical testing. Allele origin: germline.
Comment: This variant is present in population databases (rs774551643, ExAC 0.003%). This sequence change replaces valine with leucine at codon 207 of the DECR1 protein (p.Val207Leu). The valine residue is highly conserved and there is a small physicochemical difference between valine and leucine. In summary, the available evidence is currently insufficient to determine the role of this variant in disease. Therefore, it has been classified as a Variant of Uncertain Significance. Algorithms developed to predict the effect of missense changes on protein structure and function are either unavailable or do not agree on the potential impact of this missense change (SIFT: "Deleterious"; PolyPhen-2: "Benign"; Align-GVGD: "Class C0").